The following is an entry in ClinVar:

ClinVar aggregate classification (germline): Uncertain significance (1 of 4 stars; one submission).

Conditions:
Inborn genetic diseases. Identifiers: MedGen C0950123, MeSH D030342.

Submission:

Ambry Genetics
Classification: Uncertain significance for Inborn genetic diseases. Last evaluated: 2025-08-29. Review status: criteria provided, single submitter. Criteria: Ambry Variant Classification Scheme 2023. Collection method: clinical testing. Allele origin: germline.
Comment: The c.649C>T (p.P217S) alteration is located in exon 6 (coding exon 6) of the RORA gene. This alteration results from a C to T substitution at nucleotide position 649, causing the proline (P) at amino acid position 217 to be replaced by a serine (S). This variant was not reported in population-based cohorts in the Genome Aggregation Database (gnomAD). This amino acid position is highly conserved in available vertebrate species. This alteration is predicted to be deleterious by in silico analysis. Based on insufficient or conflicting evidence, the clinical significance of this alteration remains unclear.

NM_134261.3(RORA):c.550C>T (p.Pro184Ser)

Genes: RORA (RAR related orphan receptor A; minus strand), RORA-AS1 (RORA antisense RNA 1; plus strand). Cytogenetic location: 15q22.2.
Variant type: single nucleotide variant.
Coding change: c.550C>T on transcript NM_134261.3 (MANE Select); coding-DNA position 550, C replaced by T.
Protein change: p.Pro184Ser; replaces proline 184 with serine.
Molecular consequence: missense variant.
Genome position (GRCh38, 1-based): chr15:60,511,496, G>A on the plus strand (C>T on the coding strand, the complement: RORA is on the minus strand). VCF-style: chr15-60511496-G-A. GRCh37 (hg19) VCF-style: chr15-60803695-G-A.
Other names: c.625C>T, p.Pro209Ser (NM_002943.4); c.649C>T, p.Pro217Ser (NM_134260.3); c.385C>T, p.Pro129Ser (NM_134262.3); short protein forms P217S, P129S, P184S, P209S.
Identifiers: ClinVar variation 3947185 (VCV003947185.2).
Genomic context (GRCh38, chr15:60,511,496, plus strand): 5'-TGTAGTTACTGAGGTCGTCGTGAAGTTCCGTCAGCCCGTTGGCCGAGATGTTGTAGGTGG[G>A]CGTCAGCGGCTCAGCCTCTCCAGGCTGCTGCTGGTGGTCGCGCTGCTGCTGCTGCATCCG-3'
Protein context (NP_599023.1, residues 174-194): QQPGEAEPLT[Pro184Ser]TYNISANGLT